The following is an entry in ClinVar:

NM_001387430.1(SH2B1):c.244C>A (p.Arg82=)

Gene: SH2B1 (SH2B adaptor protein 1; plus strand). Cytogenetic location: 16p11.2.
Variant type: single nucleotide variant.
Coding change: c.244C>A on transcript NM_001387430.1 (MANE Select); coding-DNA position 244, C replaced by A.
Protein change: p.Arg82=; no amino-acid change (arginine 82 retained).
Molecular consequence: synonymous variant. On other transcripts: intron variant (1).
Genome position (GRCh38, 1-based): chr16:28,866,338, C>A. VCF-style: chr16-28866338-C-A. GRCh37 (hg19) VCF-style: chr16-28877659-C-A.
Other names: c.244C>A, p.Arg82= (NM_001145795.2, NM_001145796.2, NM_001145797.2 and 4 more transcripts); c.-26-1036C>A (NM_001308294.2).
Identifiers: ClinVar variation 756255 (VCV000756255.6), dbSNP rs375583410, ClinGen allele CA7985882.

ClinVar aggregate classification (germline): Likely benign. Review status: criteria provided, single submitter (1 of 4 stars). 2 submissions from 2 submitters: Likely benign (1). 1 of the submissions does not count toward it. Last evaluated 2026-01-05.

Conditions:
SH2B1-related disorder. Also called: SH2B1-related condition.

Allele frequency attached by ClinVar (database versions not stated): TOPMed 0.00004; ExAC 0.00007; ESP Exome Variant Server 0.00008.
gnomAD v4.1: 48 of 1,612,418 alleles (0.003%); highest among the groups gnomAD compares: Middle Eastern, 0.2%; no homozygotes.

Submissions (2):

Labcorp Genetics (formerly Invitae), Labcorp
Classification: Likely benign. Last evaluated: 2026-01-05. Review status: criteria provided, single submitter. Criteria: Invitae Variant Classification Sherloc (09022015). Collection method: clinical testing. Allele origin: germline.

PreventionGenetics, part of Exact Sciences
Classification: Likely benign for SH2B1-related condition. Last evaluated: 2021-05-20. Review status: no assertion criteria provided. Collection method: clinical testing. Allele origin: germline. Not counted in ClinVar's aggregate classification.
Comment: This variant is classified as likely benign based on ACMG/AMP sequence variant interpretation guidelines (Richards et al. 2015 PMID: 25741868, with internal and published modifications).